The following is an entry in ClinVar:

ClinVar aggregate classification (germline): Pathogenic (1 of 4 stars; one submission).

Conditions:
Dentinogenesis imperfecta type 2 (DGI1). Also called: CAPDEPONT TEETH; OPALESCENT DENTIN; OPALESCENT TEETH WITHOUT OSTEOGENESIS IMPERFECTA; Dentinogenesis imperfecta without osteogenesis imperfecta; Hereditary Opalescent Dentin; Dentinogenesis imperfecta - Shield's type II. Identifiers: Orphanet 166260, MedGen C2973527, MONDO:0007441, OMIM 125490. Disease mechanism: loss of function.

Submission:

Reference Center For Rare Oral And Dental Diseases, CRMR O-Rares, Hôpitaux Universitaires De Strasbourg
Classification: Pathogenic for Dentinogenesis imperfecta type 2. Last evaluated: 2025-09-03. Review status: criteria provided, single submitter. Criteria: ACMG Guidelines, 2015. Collection method: clinical testing. Allele origin: inherited. Inheritance: Autosomal dominant inheritance. Affected: yes. Observed: 9 variant alleles.
Comment: PVS1, PM2, PP1 (5)

Literature cited by the submitters: PubMed 26973538.

NM_014208.3(DSPP):c.3676del (p.Ser1226fs)

Genes: DMP1-AS1 (DMP1 and DSPP antisense RNA 1; minus strand), DSPP (dentin sialophosphoprotein; plus strand). Cytogenetic location: 4q22.1.
Variant type: Deletion.
Coding change: c.3676del on transcript NM_014208.3 (MANE Select); coding-DNA position 3676, one base deleted (A; older notation c.3676delA).
Protein change: p.Ser1226fs; shifts the reading frame from serine 1226.
Molecular consequence: frameshift variant.
Genome position (GRCh38, 1-based): chr4:87,616,338, A deleted. VCF-style (leftmost placement, unchanged base first): chr4-87616337-CA-C. GRCh37 (hg19) VCF-style: chr4-88537489-CA-C.
Other names: short protein forms S1226fs.
Identifiers: ClinVar variation 4082216 (VCV004082216.1).